The following is an entry in ClinVar:

NM_000334.4(SCN4A):c.3185G>A (p.Arg1062His)

Genes: GH-LCR (growth hormone locus control region; plus strand), SCN4A (sodium voltage-gated channel alpha subunit 4; minus strand). Cytogenetic location: 17q23.3.
Variant type: single nucleotide variant.
Coding change: c.3185G>A on transcript NM_000334.4 (MANE Select); coding-DNA position 3185, G replaced by A.
Protein change: p.Arg1062His; replaces arginine 1062 with histidine.
Molecular consequence: missense variant.
Genome position (GRCh38, 1-based): chr17:63,948,023, C>T on the plus strand (G>A on the coding strand, the complement: SCN4A is on the minus strand). VCF-style: chr17-63948023-C-T. GRCh37 (hg19) VCF-style: chr17-62025383-C-T.
Other names: short protein forms R1062H.
Identifiers: ClinVar variation 1037973 (VCV001037973.19), dbSNP rs769704334, ClinGen allele CA8709354.

ClinVar aggregate classification (germline): Uncertain significance. Review status: criteria provided, multiple submitters, no conflicts (2 of 4 stars). 4 submissions from 4 submitters: Uncertain significance (4). Last evaluated 2025-08-19.

Conditions:
Potassium-aggravated myotonia. Also called: Myotonia congenita, atypical, acetazolamide-responsive; MYOTONIA CONGENITA, ACETAZOLAMIDE-RESPONSIVE; MYOTONIA CONGENITA, ATYPICAL; SODIUM CHANNEL MUSCLE DISEASE. Identifiers: Orphanet 612, Orphanet 99734, Orphanet 99735, Orphanet 99736, MedGen C2931826, MONDO:0018959, OMIM 608390.
Congenital myasthenic syndrome 16. Identifiers: Orphanet 590, MedGen C3280112, MONDO:0013620, OMIM 614198.
Paramyotonia congenita of Von Eulenburg. Also called: Paramyotonia Congenita; PARALYSIS PERIODICA PARAMYOTONICA; Eulenburg disease; Myotonia congenita intermittens; Von Eulenburg paramyotonia congenita. Identifiers: Orphanet 684, MedGen C0221055, MONDO:0008195, OMIM 168300. Disease mechanism: loss of function.
Hypokalemic periodic paralysis, type 2 (HOKPP2). Identifiers: Orphanet 681, MedGen C2750061, MONDO:0013234, OMIM 613345.
Congenital myopathy 22A, classic (CMYO22A). Identifiers: MedGen C5830453, MONDO:0957247, OMIM 620351.
Congenital myopathy 22B, severe fetal (CMYO22B). Identifiers: MedGen C5830501, MONDO:0957265, OMIM 620369.
Hyperkalemic periodic paralysis. Also called: Familial hyperkalemic periodic paralysis; Gamstorp disease. Identifiers: Orphanet 682, MedGen C0238357, MONDO:0008224, OMIM 170500, HP:0007215.

Allele frequency attached by ClinVar (database versions not stated): gnomAD 0.00005 and 0.00004; ExAC 0.00002; TOPMed 0.00004; gnomAD exomes 0.00005 and 0.00006.

Submissions (4):

Labcorp Genetics (formerly Invitae), Labcorp
Classification: Uncertain significance for Hyperkalemic periodic paralysis. Last evaluated: 2025-08-19. Review status: criteria provided, single submitter. Criteria: Invitae Variant Classification Sherloc (09022015). Collection method: clinical testing. Allele origin: germline.
Comment: This sequence change replaces arginine, which is basic and polar, with histidine, which is basic and polar, at codon 1062 of the SCN4A protein (p.Arg1062His). This variant is present in population databases (rs769704334, gnomAD 0.01%). This variant has not been reported in the literature in individuals affected with SCN4A-related conditions. ClinVar contains an entry for this variant (Variation ID: 1037973). Invitae Evidence Modeling of protein sequence and biophysical properties (such as structural, functional, and spatial information, amino acid conservation, physicochemical variation, residue mobility, and thermodynamic stability) indicates that this missense variant is not expected to disrupt SCN4A protein function with a negative predictive value of 95%. In summary, the available evidence is currently insufficient to determine the role of this variant in disease. Therefore, it has been classified as a Variant of Uncertain Significance.

Fulgent Genetics
Classification: Uncertain significance for Paramyotonia congenita of Von Eulenburg; Hyperkalemic periodic paralysis; Potassium-aggravated myotonia; Hypokalemic periodic paralysis, type 2; Congenital myasthenic syndrome 16; Congenital myopathy 22A, classic; Congenital myopathy 22B, severe fetal. Last evaluated: 2024-03-19. Review status: criteria provided, single submitter. Criteria: ACMG Guidelines, 2015. Collection method: clinical testing. Allele origin: germline.

GeneDx
Classification: Uncertain significance. Last evaluated: 2020-07-09. Review status: criteria provided, single submitter. Criteria: GeneDx Variant Classification Process June 2021. Collection method: clinical testing. Allele origin: germline. Affected: yes.
Comment: In silico analysis supports that this missense variant has a deleterious effect on protein structure/function; Has not been previously published as pathogenic or benign to our knowledge

Revvity Omics, Revvity
Classification: Uncertain significance. Last evaluated: 2019-04-02. Review status: criteria provided, single submitter. Criteria: ACMG Guidelines, 2015. Collection method: clinical testing. Allele origin: germline.